The following is an entry in ClinVar:

NM_007294.4(BRCA1):c.5018A>C (p.His1673Pro)

Gene: BRCA1 (BRCA1 DNA repair associated; minus strand). Cytogenetic location: 17q21.31.
Variant type: single nucleotide variant.
Coding change: c.5018A>C on transcript NM_007294.4 (MANE Select); coding-DNA position 5018, A replaced by C.
Protein change: p.His1673Pro; replaces histidine 1673 with proline.
Molecular consequence: missense variant. On other transcripts: non-coding transcript variant (1).
Genome position (GRCh38, 1-based): chr17:43,067,664, T>G on the plus strand (A>C on the coding strand, the complement: BRCA1 is on the minus strand). VCF-style: chr17-43067664-T-G. GRCh37 (hg19) VCF-style: chr17-41219681-T-G.
Other names: c.4877A>C, p.His1626Pro (NM_001407729.1, NM_001407730.1, NM_001407731.1 and 13 more transcripts); c.4874A>C, p.His1625Pro (NM_001407742.1, NM_001407743.1, NM_001407744.1 and 21 more transcripts); c.4871A>C, p.His1624Pro (NM_001407847.1, NM_001407848.1, NM_001407849.1 and 12 more transcripts); c.5018A>C, p.His1673Pro (NM_001407854.1, NM_001407593.1, NM_001407594.1 and 8 more transcripts); c.5015A>C, p.His1672Pro (NM_001407858.1, NM_001407618.1, NM_001407619.1 and 17 more transcripts); c.4808A>C, p.His1603Pro (NM_001407884.1, NM_001407885.1, NM_001407886.1 and 5 more transcripts); c.4805A>C, p.His1602Pro (NM_001407894.1, NM_001407895.1, NM_001407896.1 and 12 more transcripts); c.4802A>C, p.His1601Pro (NM_001407915.1, NM_001407916.1, NM_001407917.1 and 1 more transcripts); and 70 more; short protein forms H1673P, H569P, H1626P, H1694P, H1519P, H1561P, H1584P, H1604P.
Identifiers: ClinVar variation 865538 (VCV000865538.3), dbSNP rs1064793913, ClinGen allele CA10591481.

Conditions:
Breast-ovarian cancer, familial, susceptibility to, 1 (BROVCA1). Also called: BRCA1 Hereditary Breast and Ovarian Cancer; OVARIAN CANCER, SUSCEPTIBILITY TO. Identifiers: Orphanet 145, MedGen C2676676, MONDO:0011450, OMIM 604370. Disease mechanism: loss of function.

Submission:

Brotman Baty Institute, University of Washington
No classification provided (evidence only). Condition: Breast-ovarian cancer, familial 1. Review status: no classification provided. Collection method: in vitro. Allele origin: not applicable. Functional consequence: functionally_normal.
ClinVar note: "not provided" was previously submitted as the classification for the variant. However, the classification appeared to be based only on an observation of functional data so it was converted to no classification on 2025-07-30.